The following is an entry in ClinVar:

NM_001042492.3(NF1):c.753C>G (p.Asp251Glu)

Gene: NF1 (neurofibromin 1; plus strand). Cytogenetic location: 17q11.2.
Variant type: single nucleotide variant.
Coding change: c.753C>G on transcript NM_001042492.3 (MANE Select); coding-DNA position 753, C replaced by G.
Protein change: p.Asp251Glu; replaces aspartic acid 251 with glutamic acid.
Molecular consequence: missense variant.
Genome position (GRCh38, 1-based): chr17:31,182,530, C>G. VCF-style: chr17-31182530-C-G. GRCh37 (hg19) VCF-style: chr17-29509548-C-G.
Other names: c.753C>G, p.Asp251Glu (NM_000267.4, NM_001128147.3); short protein forms D251E.
Identifiers: ClinVar variation 576763 (VCV000576763.11), dbSNP rs1567826636, ClinGen allele CA398990627.

ClinVar aggregate classification (germline): Uncertain significance. Review status: criteria provided, multiple submitters, no conflicts (2 of 4 stars). 2 submissions from 2 submitters: Uncertain significance (2). Last evaluated 2024-07-25.

Conditions:
Cardiovascular phenotype. Identifiers: MedGen CN230736.
Hereditary cancer-predisposing syndrome. Also called: Hereditary neoplastic syndrome; Tumor predisposition; Hereditary Cancer Syndrome; Neoplastic Syndromes, Hereditary. Identifiers: Orphanet 140162, MedGen C0027672, MeSH D009386, MONDO:0015356.
Neurofibromatosis, type 1 (NF1). Also called: Peripheral type neurofibromatosis; Neurofibromatosis, type I; VON RECKLINGHAUSEN DISEASE; NEUROFIBROMATOSIS, TYPE I, SOMATIC. Identifiers: Orphanet 636, MedGen C0027831, MONDO:0018975, OMIM 162200. Disease mechanism: loss of function.

Submissions (2):

Ambry Genetics
Classification: Uncertain significance for Cardiovascular phenotype; Hereditary cancer-predisposing syndrome. Last evaluated: 2024-07-25. Review status: criteria provided, single submitter. Criteria: Ambry Variant Classification Scheme 2023. Collection method: clinical testing. Allele origin: germline.
Comment: The p.D251E variant (also known as c.753C>G), located in coding exon 8 of the NF1 gene, results from a C to G substitution at nucleotide position 753. The aspartic acid at codon 251 is replaced by glutamic acid, an amino acid with highly similar properties. This amino acid position is highly conserved in available vertebrate species. In addition, this alteration is predicted to be deleterious by in silico analysis. Based on the available evidence, the clinical significance of this variant remains unclear.

Labcorp Genetics (formerly Invitae), Labcorp
Classification: Uncertain significance for Neurofibromatosis, type 1. Last evaluated: 2023-11-02. Review status: criteria provided, single submitter. Criteria: Invitae Variant Classification Sherloc (09022015). Collection method: clinical testing. Allele origin: germline.
Comment: This sequence change replaces aspartic acid, which is acidic and polar, with glutamic acid, which is acidic and polar, at codon 251 of the NF1 protein (p.Asp251Glu). This variant is not present in population databases (gnomAD no frequency). This variant has not been reported in the literature in individuals affected with NF1-related conditions. ClinVar contains an entry for this variant (Variation ID: 576763). Advanced modeling of protein sequence and biophysical properties (such as structural, functional, and spatial information, amino acid conservation, physicochemical variation, residue mobility, and thermodynamic stability) has been performed at Invitae for this missense variant, however the output from this modeling did not meet the statistical confidence thresholds required to predict the impact of this variant on NF1 protein function. In summary, the available evidence is currently insufficient to determine the role of this variant in disease. Therefore, it has been classified as a Variant of Uncertain Significance.